The following is an entry in ClinVar:

NM_000342.4(SLC4A1):c.2519A>G (p.Gln840Arg)

Gene: SLC4A1 (solute carrier family 4 member 1 (Diego blood group); minus strand). Cytogenetic location: 17q21.31.
Variant type: single nucleotide variant.
Coding change: c.2519A>G on transcript NM_000342.4 (MANE Select); coding-DNA position 2519, A replaced by G.
Protein change: p.Gln840Arg; replaces glutamine 840 with arginine.
Molecular consequence: missense variant.
Genome position (GRCh38, 1-based): chr17:44,251,295, T>C on the plus strand (A>G on the coding strand, the complement: SLC4A1 is on the minus strand). VCF-style: chr17-44251295-T-C. GRCh37 (hg19) VCF-style: chr17-42328663-T-C.
Other names: short protein forms Q840R.
Identifiers: ClinVar variation 2747941 (VCV002747941.4), dbSNP rs2509958472, ClinGen allele CA399780080.

ClinVar aggregate classification (germline): Uncertain significance. Review status: criteria provided, multiple submitters, no conflicts (2 of 4 stars). 2 submissions from 2 submitters: Uncertain significance (2). Last evaluated 2023-10-20.

Submissions (2):

Revvity Omics, Revvity
Classification: Uncertain significance. Last evaluated: 2023-10-20. Review status: criteria provided, single submitter. Criteria: ACMG Guidelines, 2015. Collection method: clinical testing. Allele origin: germline.

Labcorp Genetics (formerly Invitae), Labcorp
Classification: Uncertain significance. Last evaluated: 2023-07-28. Review status: criteria provided, single submitter. Criteria: Invitae Variant Classification Sherloc (09022015). Collection method: clinical testing. Allele origin: germline.
Comment: This sequence change replaces glutamine, which is neutral and polar, with arginine, which is basic and polar, at codon 840 of the SLC4A1 protein (p.Gln840Arg). This variant is not present in population databases (gnomAD no frequency). In summary, the available evidence is currently insufficient to determine the role of this variant in disease. Therefore, it has been classified as a Variant of Uncertain Significance. Algorithms developed to predict the effect of sequence changes on RNA splicing suggest that this variant may disrupt the consensus splice site. Advanced modeling of protein sequence and biophysical properties (such as structural, functional, and spatial information, amino acid conservation, physicochemical variation, residue mobility, and thermodynamic stability) performed at Invitae indicates that this missense variant is expected to disrupt SLC4A1 protein function. This variant has not been reported in the literature in individuals affected with SLC4A1-related conditions.